The following is an entry in ClinVar:

ClinVar aggregate classification (germline): Uncertain significance (1 of 4 stars; one submission).

Conditions:
Mitochondrial complex I deficiency, nuclear type 17. Also called: Mitochondrial complex 1 deficiency, nuclear type 17. Identifiers: MedGen C4748786, MONDO:0032622, OMIM 618239.

Submission:

3billion
Classification: Uncertain significance for Mitochondrial complex I deficiency, nuclear type 17. Last evaluated: 2023-02-23. Review status: criteria provided, single submitter. Criteria: ACMG Guidelines, 2015. Collection method: clinical testing. Allele origin: unknown. Affected: yes.
Comment: The variant is not observed in the gnomAD v2.1.1 dataset. In silico tool predictions suggest damaging effect of the variant on gene or gene product (REVEL: 0.81; 3Cnet: 0.73). Therefore, this variant is classified as VUS according to the recommendation of ACMG/AMP guideline.

NM_152416.4(NDUFAF6):c.655G>C (p.Ala219Pro)

Gene: NDUFAF6 (NADH:ubiquinone oxidoreductase complex assembly factor 6; plus strand). Cytogenetic location: 8q22.1.
Variant type: single nucleotide variant.
Coding change: c.655G>C on transcript NM_152416.4 (MANE Select); coding-DNA position 655, G replaced by C.
Protein change: p.Ala219Pro; replaces alanine 219 with proline.
Molecular consequence: missense variant. On other transcripts: non-coding transcript variant (5).
Genome position (GRCh38, 1-based): chr8:95,047,068, G>C. VCF-style: chr8-95047068-G-C. GRCh37 (hg19) VCF-style: chr8-96059296-G-C.
Other names: c.379G>C, p.Ala127Pro (NM_001330582.2, NM_001354514.2, NM_001354515.2 and 1 more transcripts); c.499G>C, p.Ala167Pro (NM_001354516.2); c.322G>C, p.Ala108Pro (NM_001354517.2, NM_001354518.2, NM_001354519.2 and 1 more transcripts); c.199G>C, p.Ala67Pro (NM_001354522.2, NM_001354524.2, NM_001354525.2 and 7 more transcripts); short protein forms A108P, A127P, A167P, A219P, A67P.
Identifiers: ClinVar variation 2444196 (VCV002444196.1), dbSNP rs749297305, ClinGen allele CA371746111.
Genomic context (GRCh38, chr8:95,047,068, plus strand): 5'-CATGCAGATCATGCTGCAAGTCATATTGGAAAAGCACAAGGCATTGTCACTTGCTTGAGA[G>C]CAACACCATATCATGGGAGCAGAAGAAAGGTGTTCCTTCCCATGGATATTTGTATGCTGG-3'
Protein context (NP_689629.2, residues 209-229): KAQGIVTCLR[Ala219Pro]TPYHGSRRKV